The following is an entry in ClinVar:

NM_000744.7(CHRNA4):c.727C>G (p.Pro243Ala)

Gene: CHRNA4 (cholinergic receptor nicotinic alpha 4 subunit; minus strand). Cytogenetic location: 20q13.33.
Variant type: single nucleotide variant.
Coding change: c.727C>G on transcript NM_000744.7 (MANE Select); coding-DNA position 727, C replaced by G.
Protein change: p.Pro243Ala; replaces proline 243 with alanine.
Molecular consequence: missense variant. On other transcripts: non-coding transcript variant (1).
Genome position (GRCh38, 1-based): chr20:63,350,684, G>C on the plus strand (C>G on the coding strand, the complement: CHRNA4 is on the minus strand). VCF-style: chr20-63350684-G-C. GRCh37 (hg19) VCF-style: chr20-61982036-G-C.
Other names: c.199C>G, p.Pro67Ala (NM_001256573.2); short protein forms P243A, P67A.
Identifiers: ClinVar variation 1217399 (VCV001217399.3), dbSNP rs1568810345, ClinGen allele CA409636987.

ClinVar aggregate classification (germline): Uncertain significance (1 of 4 stars; one submission).

Submission:

GeneDx
Classification: Uncertain significance. Last evaluated: 2019-09-03. Review status: criteria provided, single submitter. Criteria: GeneDx Variant Classification Process June 2021. Collection method: clinical testing. Allele origin: germline. Affected: yes.
Comment: Not observed in large population cohorts (Lek et al., 2016); In silico analysis, which includes protein predictors and evolutionary conservation, supports a deleterious effect; Has not been previously published as pathogenic or benign to our knowledge